The following is an entry in ClinVar:

NM_001161403.3(LIMS2):c.940C>A (p.Leu314Met)

Gene: LIMS2 (LIM zinc finger domain containing 2; minus strand). Cytogenetic location: 2q14.3.
Variant type: single nucleotide variant.
Coding change: c.940C>A on transcript NM_001161403.3 (MANE Select); coding-DNA position 940, C replaced by A.
Protein change: p.Leu314Met; replaces leucine 314 with methionine.
Molecular consequence: missense variant.
Genome position (GRCh38, 1-based): chr2:127,639,367, G>T on the plus strand (C>A on the coding strand, the complement: LIMS2 is on the minus strand). VCF-style: chr2-127639367-G-T. GRCh37 (hg19) VCF-style: chr2-128396942-G-T.
Other names: c.1006C>A (NM_001136037.3); c.1006C>A, p.Leu336Met (NM_001136037.4); c.925C>A, p.Leu309Met (NM_001161404.2); c.484C>A, p.Leu162Met (NM_001256542.2); c.1012C>A, p.Leu338Met (NM_017980.5); short protein forms L336M, L314M, L338M, L162M, L309M.
Identifiers: ClinVar variation 835569 (VCV000835569.12), dbSNP rs1682159709, ClinGen allele CA348423817.

ClinVar aggregate classification (germline): Uncertain significance. Review status: criteria provided, multiple submitters, no conflicts (2 of 4 stars). 2 submissions from 2 submitters: Uncertain significance (2). Last evaluated 2022-11-14.

Conditions:
Autosomal recessive limb-girdle muscular dystrophy type 2W (MDRCMTT). Also called: Muscular dystrophy, autosomal recessive, with cardiomyopathy and triangular tongue; Muscular dystrophy, limb-girdle, type 2W. Identifiers: MedGen C4225192, MONDO:0014788, OMIM 616827.

gnomAD v4.1: 4 of 1,613,970 alleles (0.00025%); highest among the groups gnomAD compares: South Asian, 0.0022%; no homozygotes.

Submissions (2):

Labcorp Genetics (formerly Invitae), Labcorp
Classification: Uncertain significance for Autosomal recessive limb-girdle muscular dystrophy type 2W. Last evaluated: 2022-11-14. Review status: criteria provided, single submitter. Criteria: Invitae Variant Classification Sherloc (09022015). Collection method: clinical testing. Allele origin: germline.
Comment: This variant has not been reported in the literature in individuals affected with LIMS2-related conditions. This sequence change replaces leucine, which is neutral and non-polar, with methionine, which is neutral and non-polar, at codon 336 of the LIMS2 protein (p.Leu336Met). This variant is not present in population databases (gnomAD no frequency). ClinVar contains an entry for this variant (Variation ID: 835569). Advanced modeling of protein sequence and biophysical properties (such as structural, functional, and spatial information, amino acid conservation, physicochemical variation, residue mobility, and thermodynamic stability) performed at Invitae indicates that this missense variant is not expected to disrupt LIMS2 protein function. In summary, the available evidence is currently insufficient to determine the role of this variant in disease. Therefore, it has been classified as a Variant of Uncertain Significance.

Revvity Omics, Revvity
Classification: Uncertain significance for Autosomal recessive limb-girdle muscular dystrophy type 2W. Last evaluated: 2020-07-08. Review status: criteria provided, single submitter. Criteria: ACMG Guidelines, 2015. Collection method: clinical testing. Allele origin: germline.